The following is an entry in ClinVar:

NM_203447.4(DOCK8):c.36C>G (p.Phe12Leu)

Genes: DOCK8 (dedicator of cytokinesis 8; plus strand), DOCK8-AS1 (DOCK8 antisense RNA 1; minus strand), LOC130001437 (ATAC-STARR-seq lymphoblastoid silent region 19722; plus strand). Cytogenetic location: 9p24.3.
Variant type: single nucleotide variant.
Coding change: c.36C>G on transcript NM_203447.4 (MANE Select); coding-DNA position 36, C replaced by G.
Protein change: p.Phe12Leu; replaces phenylalanine 12 with leucine.
Molecular consequence: missense variant. On other transcripts: non-coding transcript variant (1).
Genome position (GRCh38, 1-based): chr9:215,012, C>G. VCF-style: chr9-215012-C-G. GRCh37 (hg19) VCF-style: chr9-215012-C-G.
Other names: c.36C>G (NM_203447.3); short protein forms F12L.
Identifiers: ClinVar variation 1091055 (VCV001091055.12), dbSNP rs566738926, ClinGen allele CA4956911.

ClinVar aggregate classification (germline): Conflicting classifications of pathogenicity. Review status: criteria provided, conflicting classifications (1 of 4 stars). 4 submissions from 4 submitters: Uncertain significance (2); Likely benign (1). 1 of the submissions does not count toward it. Last evaluated 2026-04-20.

Conditions:
DOCK8-related disorder. Also called: DOCK8-related condition.
Combined immunodeficiency due to DOCK8 deficiency (HIES2). Also called: HIES autosomal recessive; HYPER-IgE SYNDROME 2, AUTOSOMAL RECESSIVE, WITH RECURRENT INFECTIONS; Hyper-IgE recurrent infection syndrome, autosomal recessive; HYPER-IgE RECURRENT INFECTION SYNDROME 2, AUTOSOMAL RECESSIVE; DOCK8 Deficiency. Identifiers: Orphanet 217390, MedGen C4722305, MONDO:0009478, OMIM 243700.

Allele frequency attached by ClinVar (database versions not stated): 1000 Genomes Project 30x 0.00016; 1000 Genomes Project 0.00020.
gnomAD v4.1: 115 of 1,592,276 alleles (0.0072%); highest among the groups gnomAD compares: East Asian, 0.24%; no homozygotes.

Submissions (4):

Precision Medical Center, Wuhan Children's Hospital
Classification: Uncertain significance for Combined immunodeficiency due to DOCK8 deficiency. Last evaluated: 2026-04-20. Review status: criteria provided, single submitter. Criteria: ACMG Guidelines, 2015. Collection method: clinical testing. Allele origin: germline. Affected: yes. Observed: 1 variant allele, 1 compound heterozygote.
Comment: The NM_203447.4 c.36C>G, is a missense mutation in DOCK8 gene. The variation is located in a hotspot mutation region and/or in a critical functional domain known to be devoid of benign variations (PM1). The variation does not exist or is very rare in the population database (PM2). More than two bioinformatics methods predict that variations have an impact on genes (gene products) (PP3). In summary, this variant meets criteria to be classified as Variants of Uncertain Significance

Labcorp Genetics (formerly Invitae), Labcorp
Classification: Likely benign for Combined immunodeficiency due to DOCK8 deficiency. Last evaluated: 2026-01-28. Review status: criteria provided, single submitter. Criteria: Invitae Variant Classification Sherloc (09022015). Collection method: clinical testing. Allele origin: germline.

Blueprint Genetics
Classification: Uncertain significance. Last evaluated: 2024-05-28. Review status: criteria provided, single submitter. Criteria: ACMG Guidelines, 2015. Collection method: clinical testing. Allele origin: germline.

PreventionGenetics, part of Exact Sciences
Classification: Likely benign for DOCK8-related condition. Last evaluated: 2024-04-21. Review status: no assertion criteria provided. Collection method: clinical testing. Allele origin: germline. Not counted in ClinVar's aggregate classification.
Comment: This variant is classified as likely benign based on ACMG/AMP sequence variant interpretation guidelines (Richards et al. 2015 PMID: 25741868, with internal and published modifications).